The following is an entry in ClinVar:

NM_000384.3(APOB):c.7591G>A (p.Glu2531Lys)

Gene: APOB (apolipoprotein B; minus strand). Cytogenetic location: 2p24.1.
Variant type: single nucleotide variant.
Coding change: c.7591G>A on transcript NM_000384.3 (MANE Select); coding-DNA position 7591, G replaced by A.
Protein change: p.Glu2531Lys; replaces glutamic acid 2531 with lysine.
Molecular consequence: missense variant.
Genome position (GRCh38, 1-based): chr2:21,009,277, C>T on the plus strand (G>A on the coding strand, the complement: APOB is on the minus strand). VCF-style: chr2-21009277-C-T. GRCh37 (hg19) VCF-style: chr2-21232149-C-T.
Other names: short protein forms E2531K.
Identifiers: ClinVar variation 490401 (VCV000490401.11), dbSNP rs149358359, ClinGen allele CA43502296.
Genomic context (GRCh38, chr2:21,009,277, plus strand): 5'-AAATGTAGGTGACAAGTGTGCTATAAACCTGGCCTACCAGAGACAGGTATCGTTGAAGTT[C>T]CTGCTGAATGTCCATTTGATACATTCGGTCTCGTGTATCTTCTAGGGTCTCTCGGAATTT-3'
Protein context (NP_000375.3, residues 2521-2541): DRMYQMDIQQ[Glu2531Lys]LQRYLSLVGQ

ClinVar aggregate classification (germline): Conflicting classifications of pathogenicity. Review status: criteria provided, conflicting classifications (1 of 4 stars). 2 submissions from 2 submitters: Uncertain significance (1); Likely benign (1). Last evaluated 2025-03-28.

Conditions:
Hypercholesterolemia, autosomal dominant, type B (FHCL2). Also called: APOB-Related Familial Hypercholesterolemia, Autosomal Dominant; Hyperlipoproteinemia Type IIb; Familial Hypercholesterolemia Type B; APOLIPOPROTEIN B-100, FAMILIAL DEFECTIVE; APOLIPOPROTEIN B-100, FAMILIAL LIGAND-DEFECTIVE; HYPERCHOLESTEROLEMIA, FAMILIAL, DUE TO LIGAND-DEFECTIVE APOLIPOPROTEIN B. Identifiers: MedGen C1704417, MONDO:0007751, OMIM 144010.
Familial hypobetalipoproteinemia 1. Also called: Hypobetalipoproteinemia, normotriglyceridemic; Acanthocytosis with hypobetalipoproteinemia; APOB-Related Familial Hypobetalipoproteinemia. Identifiers: MedGen C4551990, MONDO:0014252, OMIM 615558.

Allele frequency attached by ClinVar (database versions not stated): gnomAD exomes below 0.00001 and 0.00001; TOPMed below 0.00001; ESP Exome Variant Server 0.00015.
gnomAD v4.1: 6 of 1,614,064 alleles (0.00037%); highest among the groups gnomAD compares: Non-Finnish European, 0.00051%; no homozygotes.

Submissions (2):

GeneDx
Classification: Uncertain significance. Last evaluated: 2025-03-28. Review status: criteria provided, single submitter. Criteria: GeneDx Variant Classification Process June 2021. Collection method: clinical testing. Allele origin: germline. Affected: yes.
Comment: Not observed at significant frequency in large population cohorts (gnomAD); In silico analysis supports that this missense variant has a deleterious effect on protein structure/function; Has not been previously published as pathogenic or benign to our knowledge

Labcorp Genetics (formerly Invitae), Labcorp
Classification: Likely benign for Familial hypobetalipoproteinemia 1; Hypercholesterolemia, autosomal dominant, type B. Last evaluated: 2024-04-29. Review status: criteria provided, single submitter. Criteria: Invitae Variant Classification Sherloc (09022015). Collection method: clinical testing. Allele origin: germline.